The following is an entry in ClinVar:

ClinVar aggregate classification (germline): Uncertain significance (1 of 4 stars; one submission).

Conditions:
Severe early-onset pulmonary alveolar proteinosis due to MARS deficiency. Also called: Interstitial lung and liver disease; PULMONARY ALVEOLAR PROTEINOSIS, REUNION ISLAND. Identifiers: Orphanet 440427, MedGen C4225400, MONDO:0014206, OMIM 615486.
Charcot-Marie-Tooth disease axonal type 2U. Also called: CHARCOT-MARIE-TOOTH NEUROPATHY, TYPE 2U; CHARCOT-MARIE-TOOTH DISEASE, AXONAL, AUTOSOMAL DOMINANT, TYPE 2U. Identifiers: Orphanet 397735, MedGen C4084821, MONDO:0014566, OMIM 616280.

gnomAD v4.1: 1 of 1,614,202 alleles (0.000062%); highest among the groups gnomAD compares: Non-Finnish European, 0.000085%; no homozygotes.

Submission:

Labcorp Genetics (formerly Invitae), Labcorp
Classification: Uncertain significance for Charcot-Marie-Tooth disease axonal type 2U; Severe early-onset pulmonary alveolar proteinosis due to MARS deficiency. Last evaluated: 2024-12-08. Review status: criteria provided, single submitter. Criteria: Invitae Variant Classification Sherloc (09022015). Collection method: clinical testing. Allele origin: germline.
Comment: This sequence change replaces alanine, which is neutral and non-polar, with threonine, which is neutral and polar, at codon 478 of the MARS protein (p.Ala478Thr). This variant is not present in population databases (gnomAD no frequency). This variant has not been reported in the literature in individuals affected with MARS-related conditions. An algorithm developed to predict the effect of missense changes on protein structure and function (PolyPhen-2) suggests that this variant is likely to be disruptive. In summary, the available evidence is currently insufficient to determine the role of this variant in disease. Therefore, it has been classified as a Variant of Uncertain Significance.

NM_004990.4(MARS1):c.1432G>A (p.Ala478Thr)

Gene: MARS1 (methionyl-tRNA synthetase 1; plus strand). Cytogenetic location: 12q13.3.
Variant type: single nucleotide variant.
Coding change: c.1432G>A on transcript NM_004990.4 (MANE Select); coding-DNA position 1432, G replaced by A.
Protein change: p.Ala478Thr; replaces alanine 478 with threonine.
Molecular consequence: missense variant.
Genome position (GRCh38, 1-based): chr12:57,511,761, G>A. VCF-style: chr12-57511761-G-A. GRCh37 (hg19) VCF-style: chr12-57905544-G-A.
Other names: short protein forms A478T.
Identifiers: ClinVar variation 3752221 (VCV003752221.2).